The following is an entry in ClinVar:

NM_001379200.1(TBX1):c.195_229del (p.Ala66fs)

Gene: TBX1 (T-box transcription factor 1; plus strand). Cytogenetic location: 22q11.21.
Variant type: Deletion.
Coding change: c.195_229del on transcript NM_001379200.1 (MANE Select); coding-DNA positions 195 to 229, 35 bases deleted.
Protein change: p.Ala66fs; shifts the reading frame from alanine 66.
Molecular consequence: frameshift variant.
Genome position (GRCh38, 1-based): chr22:19,761,038-19,761,072, 35 bases deleted; deleting any 35 consecutive bases within chr22:19,761,029-19,761,072 gives the same sequence; the c. name uses the placement nearest the transcript's 3' end. GRCh37 (hg19): chr22:19,748,561-19,748,595.
Other names: c.168_202del35 (NM_080647.1); c.168_202del, p.Ala57fs (NM_005992.1, NM_080646.2, NM_080647.1); short protein forms A66fs, A57fs.
Identifiers: ClinVar variation 1354584 (VCV001354584.7), dbSNP rs2145827929, ClinGen allele CA2573157659.

ClinVar aggregate classification (germline): Pathogenic/Likely pathogenic. Review status: criteria provided, multiple submitters, no conflicts (2 of 4 stars). 2 submissions from 2 submitters: Pathogenic (1); Likely pathogenic (1). Last evaluated 2025-07-12.

Conditions:
DiGeorge syndrome. Also called: THIRD AND FOURTH PHARYNGEAL POUCH SYNDROME; Catch22. Identifiers: Orphanet 567, MedGen C0012236, MONDO:0008564, OMIM 188400.
TBX1-related disorder. Also called: TBX1-Related Disorders; TBX1-related condition.

Submissions (2):

PreventionGenetics, part of Exact Sciences
Classification: Likely pathogenic for TBX1-related condition. Last evaluated: 2025-07-12. Review status: criteria provided, single submitter. Criteria: ACMG Guidelines, 2015. Collection method: clinical testing. Allele origin: germline.
Comment: The TBX1 c.168_202del35 variant is predicted to result in a frameshift and premature protein termination (p.Ala57Argfs*100). To our knowledge, this variant has not been reported in the literature or in a large population database (gnomAD), indicating this variant is rare. Frameshift variants in TBX1 are expected to be pathogenic. This variant is interpreted as likely pathogenic.

Labcorp Genetics (formerly Invitae), Labcorp
Classification: Pathogenic for DiGeorge syndrome. Last evaluated: 2021-03-10. Review status: criteria provided, single submitter. Criteria: Invitae Variant Classification Sherloc (09022015). Collection method: clinical testing. Allele origin: germline.
Comment: This variant has not been reported in the literature in individuals with TBX1-related conditions. This sequence change creates a premature translational stop signal (p.Ala57Argfs*100) in the TBX1 gene. It is expected to result in an absent or disrupted protein product. Loss-of-function variants in TBX1 are known to be pathogenic (PMID: 25860641, 29500247). The frequency data for this variant in the population databases is considered unreliable, as metrics indicate insufficient coverage at this position in the ExAC database. For these reasons, this variant has been classified as Pathogenic.

Literature cited by the submitters: PubMed 25860641 (cited by Labcorp Genetics (formerly Invitae), Labcorp); PubMed 29500247 (cited by Labcorp Genetics (formerly Invitae), Labcorp).